The following is an entry in ClinVar:

NM_001379451.1(BCORL1):c.1106C>T (p.Thr369Ile)

Gene: BCORL1 (BCL6 corepressor like 1; plus strand). Cytogenetic location: Xq26.1.
Variant type: single nucleotide variant.
Coding change: c.1106C>T on transcript NM_001379451.1 (MANE Select); coding-DNA position 1106, C replaced by T.
Protein change: p.Thr369Ile; replaces threonine 369 with isoleucine.
Molecular consequence: missense variant.
Genome position (GRCh38, 1-based): chrX:130,013,878, C>T. VCF-style: chrX-130013878-C-T. GRCh37 (hg19) VCF-style: chrX-129147854-C-T.
Other names: c.1106C>T, p.Thr369Ile (NM_001184772.3, NM_001379450.1, NM_021946.5); short protein forms T369I.
Identifiers: ClinVar variation 3572660 (VCV003572660.1).

ClinVar aggregate classification (germline): Uncertain significance (1 of 4 stars; one submission).

gnomAD v4.1: 2 of 1,164,050 alleles (0.00017%); highest among the groups gnomAD compares: East Asian, 0.0033%; no homozygotes.

Submission:

GeneDx
Classification: Uncertain significance. Last evaluated: 2024-07-08. Review status: criteria provided, single submitter. Criteria: GeneDx Variant Classification Process June 2021. Collection method: clinical testing. Allele origin: germline. Affected: yes.
Comment: Not observed at significant frequency in large population cohorts (gnomAD); In silico analysis indicates that this missense variant does not alter protein structure/function; Has not been previously published as pathogenic or benign to our knowledge